The following is an entry in ClinVar:

ClinVar aggregate classification (germline): Uncertain significance (1 of 4 stars; one submission).

Submission:

GeneDx
Classification: Uncertain significance. Last evaluated: 2025-02-06. Review status: criteria provided, single submitter. Criteria: GeneDx Variant Classification Process June 2021. Collection method: clinical testing. Allele origin: germline. Affected: yes.
Comment: Not observed at significant frequency in large population cohorts (gnomAD); In silico analysis indicates that this missense variant does not alter protein structure/function; Has not been previously published as pathogenic or benign to our knowledge

NM_004370.6(COL12A1):c.1343C>T (p.Ser448Phe)

Gene: COL12A1 (collagen type XII alpha 1 chain; minus strand). Cytogenetic location: 6q13.
Variant type: single nucleotide variant.
Coding change: c.1343C>T on transcript NM_004370.6 (MANE Select); coding-DNA position 1343, C replaced by T.
Protein change: p.Ser448Phe; replaces serine 448 with phenylalanine.
Molecular consequence: missense variant. On other transcripts: intron variant (2).
Genome position (GRCh38, 1-based): chr6:75,183,598, G>A on the plus strand (C>T on the coding strand, the complement: COL12A1 is on the minus strand). VCF-style: chr6-75183598-G-A. GRCh37 (hg19) VCF-style: chr6-75893314-G-A.
Other names: c.1343C>T, p.Ser448Phe (NM_001424113.1, NM_001424114.1, NM_001424115.1); c.73+19122C>T (NM_001424116.1, NM_080645.3); short protein forms S448F.
Identifiers: ClinVar variation 4074665 (VCV004074665.1).